The following is an entry in ClinVar:

NM_005559.4(LAMA1):c.7639G>A (p.Val2547Ile)

Genes: LAMA1 (laminin subunit alpha 1; minus strand), LOC126862685 (BRD4-independent group 4 enhancer GRCh37_chr18:6958646-6959845; plus strand). Cytogenetic location: 18p11.31.
Variant type: single nucleotide variant.
Coding change: c.7639G>A on transcript NM_005559.4 (MANE Select); coding-DNA position 7639, G replaced by A.
Protein change: p.Val2547Ile; replaces valine 2547 with isoleucine.
Molecular consequence: missense variant.
Genome position (GRCh38, 1-based): chr18:6,959,480, C>T on the plus strand (G>A on the coding strand, the complement: LAMA1 is on the minus strand). VCF-style: chr18-6959480-C-T. GRCh37 (hg19) VCF-style: chr18-6959479-C-T.
Other names: short protein forms V2547I.
Identifiers: ClinVar variation 2086183 (VCV002086183.5), dbSNP rs367598361, ClinGen allele CA8880827.

ClinVar aggregate classification (germline): Conflicting classifications of pathogenicity. Review status: criteria provided, conflicting classifications (1 of 4 stars). 3 submissions from 3 submitters: Uncertain significance (1); Likely benign (2). Last evaluated 2024-11-05.

Conditions:
Inborn genetic diseases. Identifiers: MedGen C0950123, MeSH D030342.

Allele frequency attached by ClinVar (database versions not stated): gnomAD exomes 0.00005; ExAC 0.00007; gnomAD 0.00007; TOPMed 0.00007; ESP Exome Variant Server 0.00008.
gnomAD v4.1: 76 of 1,613,970 alleles (0.0047%); highest among the groups gnomAD compares: Admixed American, 0.01%; no homozygotes.

Submissions (3):

Blueprint Genetics
Classification: Likely benign. Last evaluated: 2024-11-05. Review status: criteria provided, single submitter. Criteria: ACMG Guidelines, 2015. Collection method: clinical testing. Allele origin: germline.

Labcorp Genetics (formerly Invitae), Labcorp
Classification: Uncertain significance. Last evaluated: 2024-03-04. Review status: criteria provided, single submitter. Criteria: Invitae Variant Classification Sherloc (09022015). Collection method: clinical testing. Allele origin: germline.
Comment: This sequence change replaces valine, which is neutral and non-polar, with isoleucine, which is neutral and non-polar, at codon 2547 of the LAMA1 protein (p.Val2547Ile). This variant is present in population databases (rs367598361, gnomAD 0.01%). This variant has not been reported in the literature in individuals affected with LAMA1-related conditions. ClinVar contains an entry for this variant (Variation ID: 2086183). Algorithms developed to predict the effect of missense changes on protein structure and function output the following: SIFT: "Not Available"; PolyPhen-2: "Benign"; Align-GVGD: "Not Available". The isoleucine amino acid residue is found in multiple mammalian species, which suggests that this missense change does not adversely affect protein function. In summary, the available evidence is currently insufficient to determine the role of this variant in disease. Therefore, it has been classified as a Variant of Uncertain Significance.

Ambry Genetics
Classification: Likely benign for Inborn genetic diseases. Last evaluated: 2021-06-15. Review status: criteria provided, single submitter. Criteria: Ambry Variant Classification Scheme 2023. Collection method: clinical testing. Allele origin: germline.